The following is an entry in ClinVar:

NM_177531.6(PKHD1L1):c.11969G>A (p.Gly3990Glu)

Gene: PKHD1L1 (PKHD1 like 1; plus strand). Cytogenetic location: 8q23.2.
Variant type: single nucleotide variant.
Coding change: c.11969G>A on transcript NM_177531.6 (MANE Select); coding-DNA position 11969, G replaced by A.
Protein change: p.Gly3990Glu; replaces glycine 3990 with glutamic acid.
Molecular consequence: missense variant.
Genome position (GRCh38, 1-based): chr8:109,518,446, G>A. VCF-style: chr8-109518446-G-A. GRCh37 (hg19) VCF-style: chr8-110530675-G-A.
Other names: short protein forms G3990E.
Identifiers: ClinVar variation 4981658 (VCV004981658.1).

ClinVar aggregate classification (germline): Likely benign (1 of 4 stars; one submission).

Conditions:
PKHD1L1-related disorder. Also called: PKHD1L1-related condition.

gnomAD v4.1: 2,441 of 1,610,444 alleles (0.15%); highest among the groups gnomAD compares: Non-Finnish European, 0.2%; 4 homozygotes.

Submission:

PreventionGenetics, part of Exact Sciences
Classification: Likely benign for PKHD1L1-related condition. Last evaluated: 2025-05-27. Review status: criteria provided, single submitter. Criteria: ACMG Guidelines, 2015. Collection method: clinical testing. Allele origin: germline.
Comment: This variant is classified as likely benign based on ACMG/AMP sequence variant interpretation guidelines (Richards et al. 2015 PMID: 25741868, with internal and published modifications).